The following is an entry in ClinVar:

NM_001166114.2(PNPLA6):c.233-11C>G

Gene: PNPLA6 (patatin like domain 6, lysophospholipase; plus strand). Cytogenetic location: 19p13.2.
Variant type: single nucleotide variant.
Coding change: c.233-11C>G on transcript NM_001166114.2 (MANE Select); 11 bases into the intron before coding-DNA position 233, C replaced by G.
Molecular consequence: intron variant.
Genome position (GRCh38, 1-based): chr19:7,536,180, C>G. VCF-style: chr19-7536180-C-G. GRCh37 (hg19) VCF-style: chr19-7601066-C-G.
Other names: c.116-11C>G (NM_006702.5, NM_001166112.2, NM_001166113.1); c.260-11C>G (NM_001166111.2).
Identifiers: ClinVar variation 2102772 (VCV002102772.4), dbSNP rs1375797341, ClinGen allele CA2580097214.

ClinVar aggregate classification (germline): Uncertain significance (1 of 4 stars; one submission).

Conditions:
Hereditary spastic paraplegia 39 (SPG39). Also called: SPASTIC PARAPLEGIA 39, AUTOSOMAL RECESSIVE; Spastic Paraplegia Type 39 (SPG39). Identifiers: Orphanet 139480, MedGen C2677586, MONDO:0012787, OMIM 612020.

Submission:

Labcorp Genetics (formerly Invitae), Labcorp
Classification: Uncertain significance for Hereditary spastic paraplegia 39. Last evaluated: 2025-03-17. Review status: criteria provided, single submitter. Criteria: Invitae Variant Classification Sherloc (09022015). Collection method: clinical testing. Allele origin: germline.
Comment: This sequence change falls in intron 4 of the PNPLA6 gene. It does not directly change the encoded amino acid sequence of the PNPLA6 protein. This variant is not present in population databases (gnomAD no frequency). This variant has not been reported in the literature in individuals affected with PNPLA6-related conditions. ClinVar contains an entry for this variant (Variation ID: 2102772). Algorithms developed to predict the effect of sequence changes on RNA splicing suggest that this variant may disrupt the consensus splice site. In summary, the available evidence is currently insufficient to determine the role of this variant in disease. Therefore, it has been classified as a Variant of Uncertain Significance.